The following is an entry in ClinVar:

ClinVar aggregate classification (germline): Uncertain significance (1 of 4 stars; one submission).

Conditions:
Neuropathy, hereditary sensory, type 2C. Also called: Hereditary sensory and autonomic neuropathy type IIC; KIF1A-Related HSAN2 (HSAN2C). Identifiers: Orphanet 970, MedGen C3280168, MONDO:0013634, OMIM 614213.
Hereditary spastic paraplegia 30. Identifiers: Orphanet 101010, MedGen C5235139, MONDO:0012476.
Intellectual disability, autosomal dominant 9 (NESCAVS). Also called: NESCAV SYNDROME; KIF1A-Related Neurodevelopmental Disorder. Identifiers: Orphanet 662367, MedGen C5393830, MONDO:0013656, OMIM 614255.

Allele frequency attached by ClinVar (database versions not stated): gnomAD exomes below 0.00001.
gnomAD v4.1: 1 of 1,613,456 alleles (0.000062%); highest among the groups gnomAD compares: Non-Finnish European, 0.000085%; no homozygotes.

Submission:

Labcorp Genetics (formerly Invitae), Labcorp
Classification: Uncertain significance for Hereditary spastic paraplegia 30; Neuropathy, hereditary sensory, type 2C; Intellectual disability, autosomal dominant 9. Last evaluated: 2023-01-19. Review status: criteria provided, single submitter. Criteria: Invitae Variant Classification Sherloc (09022015). Collection method: clinical testing. Allele origin: germline.
Comment: This variant has not been reported in the literature in individuals affected with KIF1A-related conditions. In summary, the available evidence is currently insufficient to determine the role of this variant in disease. Therefore, it has been classified as a Variant of Uncertain Significance. Advanced modeling of protein sequence and biophysical properties (such as structural, functional, and spatial information, amino acid conservation, physicochemical variation, residue mobility, and thermodynamic stability) performed at Invitae indicates that this missense variant is expected to disrupt KIF1A protein function. This variant is not present in population databases (gnomAD no frequency). This sequence change replaces arginine, which is basic and polar, with glutamine, which is neutral and polar, at codon 457 of the KIF1A protein (p.Arg457Gln).

NM_001244008.2(KIF1A):c.1397G>A (p.Arg466Gln)

Gene: KIF1A (kinesin family member 1A; minus strand). Cytogenetic location: 2q37.3.
Variant type: single nucleotide variant.
Coding change: c.1397G>A on transcript NM_001244008.2 (MANE Select); coding-DNA position 1397, G replaced by A.
Protein change: p.Arg466Gln; replaces arginine 466 with glutamine.
Molecular consequence: missense variant.
Genome position (GRCh38, 1-based): chr2:240,769,651, C>T on the plus strand (G>A on the coding strand, the complement: KIF1A is on the minus strand). VCF-style: chr2-240769651-C-T. GRCh37 (hg19) VCF-style: chr2-241709068-C-T.
Other names: c.1397G>A, p.Arg466Gln (NM_001320705.2, NM_001330289.2, NM_001379638.1); c.1472G>A, p.Arg491Gln (NM_001330290.2, NM_001379631.1, NM_001379634.1 and 2 more transcripts); c.1370G>A, p.Arg457Gln (NM_001379632.1, NM_001379633.1, NM_001379636.1 and 11 more transcripts); c.1445G>A, p.Arg482Gln (NM_001379637.1, NM_001379648.1); short protein forms R457Q, R466Q, R491Q, R482Q.
Identifiers: ClinVar variation 2925706 (VCV002925706.3), dbSNP rs2125940645, ClinGen allele CA351329838.